The following is an entry in ClinVar:

ClinVar aggregate classification (germline): Conflicting classifications of pathogenicity. Review status: criteria provided, conflicting classifications (1 of 4 stars). 3 submissions from 1 submitter: Uncertain significance (1); Benign (1); Likely benign (1). Last evaluated 2018-01-13.

Conditions:
Fibrochondrogenesis 2 (FBCG2). Identifiers: Orphanet 2021, MedGen C3281128, MONDO:0013795, OMIM 614524.
Otospondylomegaepiphyseal dysplasia, autosomal recessive (OSMEDB). Also called: CHONDRODYSTROPHY WITH SENSORINEURAL DEAFNESS; Insley-Astley syndrome. Identifiers: Orphanet 1427, MedGen CN034493, MONDO:0044206, OMIM 215150.
Otospondylomegaepiphyseal dysplasia, autosomal dominant (OSMEDA). Also called: COL11A2-Related Stickler Syndrome; Stickler syndrome, type 3; Pierre Robin syndrome with fetal chondrodysplasia. Identifiers: Orphanet 166100, Orphanet 3450, MedGen C1848488, MONDO:0008490, OMIM 184840.

Allele frequency attached by ClinVar (database versions not stated): gnomAD 0.00002 and 0.00011; TOPMed 0.00009; 1000 Genomes Project 0.00040; 1000 Genomes Project 30x 0.00047.
gnomAD v4.1: 241 of 1,357,826 alleles (0.018%); highest among the groups gnomAD compares: South Asian, 0.2%; 2 homozygotes.

Submissions (3):

Illumina Laboratory Services, Illumina
Classification: Benign for Otospondylomegaepiphyseal dysplasia, autosomal recessive. Last evaluated: 2018-01-13. Review status: criteria provided, single submitter. Criteria: ICSL Variant Classification Criteria 13 December 2019. Collection method: clinical testing. Allele origin: germline.
Comment: This variant was observed in the ICSL laboratory as part of a predisposition screen in an ostensibly healthy population. It had not been previously curated by ICSL or reported in the Human Gene Mutation Database (HGMD: prior to June 1st, 2018), and was therefore a candidate for classification through an automated scoring system. Utilizing variant allele frequency, disease prevalence and penetrance estimates, and inheritance mode, an automated score was calculated to assess if this variant is too frequent to cause the disease. Based on the score and internal cut-off values, a variant classified as benign is not then subjected to further curation. The score for this variant resulted in a classification of benign for this disease.

Illumina Laboratory Services, Illumina
Classification: Uncertain significance for Fibrochondrogenesis 2. Last evaluated: 2018-01-13. Review status: criteria provided, single submitter. Criteria: ICSL Variant Classification Criteria 13 December 2019. Collection method: clinical testing. Allele origin: germline.

Illumina Laboratory Services, Illumina
Classification: Likely benign for Otospondylomegaepiphyseal dysplasia, autosomal dominant. Last evaluated: 2018-01-13. Review status: criteria provided, single submitter. Criteria: ICSL Variant Classification Criteria 13 December 2019. Collection method: clinical testing. Allele origin: germline.
Comment: This variant was observed in the ICSL laboratory as part of a predisposition screen in an ostensibly healthy population. It had not been previously curated by ICSL or reported in the Human Gene Mutation Database (HGMD: prior to June 1st, 2018), and was therefore a candidate for classification through an automated scoring system. Utilizing variant allele frequency, disease prevalence and penetrance estimates, and inheritance mode, an automated score was calculated to assess if this variant is too frequent to cause the disease. Based on the score and internal cut-off values, a variant classified as likely benign is not then subjected to further curation. The score for this variant resulted in a classification of likely benign for this disease.

NM_080680.3(COL11A2):c.-82C>G

Gene: COL11A2 (collagen type XI alpha 2 chain; minus strand). Cytogenetic location: 6p21.32.
Variant type: single nucleotide variant.
Coding change: c.-82C>G on transcript NM_080680.3 (MANE Select); 82 bases upstream of the start codon, C replaced by G.
Molecular consequence: 5 prime UTR variant.
Genome position (GRCh38, 1-based): chr6:33,192,322, G>C on the plus strand (C>G on the coding strand, the complement: COL11A2 is on the minus strand). VCF-style: chr6-33192322-G-C. GRCh37 (hg19) VCF-style: chr6-33160099-G-C.
Other names: c.-82C>G (NM_001163771.2, NM_080679.3, NM_080681.3).
Identifiers: ClinVar variation 907531 (VCV000907531.4), dbSNP rs539232957, ClinGen allele CA137054944.